The following is an entry in ClinVar:

ClinVar aggregate classification (germline): Uncertain significance (1 of 4 stars; one submission).

Conditions:
Charcot-Marie-Tooth disease axonal type 2O. Also called: CHARCOT-MARIE-TOOTH NEUROPATHY, AXONAL, TYPE 2O; CHARCOT-MARIE-TOOTH DISEASE, AXONAL, AUTOSOMAL DOMINANT, TYPE 2O; Charcot-Marie-Tooth Neuropathy Type 2O; Charcot-Marie-Tooth disease, axonal, type 20. Identifiers: Orphanet 284232, MedGen C3280220, MONDO:0013644, OMIM 614228.

Allele frequency attached by ClinVar (database versions not stated): gnomAD 0.00001.

Submission:

Labcorp Genetics (formerly Invitae), Labcorp
Classification: Uncertain significance for Charcot-Marie-Tooth disease axonal type 2O. Last evaluated: 2023-07-17. Review status: criteria provided, single submitter. Criteria: Invitae Variant Classification Sherloc (09022015). Collection method: clinical testing. Allele origin: germline.
Comment: This variant is present in population databases (no rsID available, gnomAD 0.007%). This sequence change falls in intron 33 of the DYNC1H1 gene. It does not directly change the encoded amino acid sequence of the DYNC1H1 protein. This variant has not been reported in the literature in individuals affected with DYNC1H1-related conditions. Algorithms developed to predict the effect of sequence changes on RNA splicing suggest that this variant may create or strengthen a splice site. In summary, the available evidence is currently insufficient to determine the role of this variant in disease. Therefore, it has been classified as a Variant of Uncertain Significance.

NM_001376.5(DYNC1H1):c.6858-9C>G

Gene: DYNC1H1 (dynein cytoplasmic 1 heavy chain 1; plus strand). Cytogenetic location: 14q32.31.
Variant type: single nucleotide variant.
Coding change: c.6858-9C>G on transcript NM_001376.5 (MANE Select); 9 bases into the intron before coding-DNA position 6858, C replaced by G.
Molecular consequence: intron variant.
Genome position (GRCh38, 1-based): chr14:102,012,305, C>G. VCF-style: chr14-102012305-C-G. GRCh37 (hg19) VCF-style: chr14-102478642-C-G.
Identifiers: ClinVar variation 2737419 (VCV002737419.3), dbSNP rs1158830252, ClinGen allele CA616580171.